The following is an entry in ClinVar:

NM_003764.4(STX11):c.579G>C (p.Leu193Phe)

Gene: STX11 (syntaxin 11; plus strand). Cytogenetic location: 6q24.2.
Variant type: single nucleotide variant.
Coding change: c.579G>C on transcript NM_003764.4 (MANE Select); coding-DNA position 579, G replaced by C.
Protein change: p.Leu193Phe; replaces leucine 193 with phenylalanine.
Molecular consequence: missense variant.
Genome position (GRCh38, 1-based): chr6:144,187,206, G>C. VCF-style: chr6-144187206-G-C. GRCh37 (hg19) VCF-style: chr6-144508343-G-C.
Other names: c.579G>C (NM_003764.3); short protein forms L193F.
Identifiers: ClinVar variation 1410378 (VCV001410378.7), dbSNP rs760385256, ClinGen allele CA4031734.

ClinVar aggregate classification (germline): Uncertain significance. Review status: criteria provided, multiple submitters, no conflicts (2 of 4 stars). 2 submissions from 2 submitters: Uncertain significance (2). Last evaluated 2023-12-11.

Conditions:
Inborn genetic diseases. Identifiers: MedGen C0950123, MeSH D030342.
Familial hemophagocytic lymphohistiocytosis 4 (FHL4). Also called: STX11-Related Familial Hemophagocytic Lymphohistiocytosis (STX11-fHLH). Identifiers: Orphanet 540, MedGen C1863728, MONDO:0011336, OMIM 603552.

Allele frequency attached by ClinVar (database versions not stated): ExAC 0.00001; gnomAD 0.00001; gnomAD exomes 0.00001; TOPMed below 0.00001.
gnomAD v4.1: 10 of 1,613,890 alleles (0.00062%); highest among the groups gnomAD compares: Non-Finnish European, 0.00085%; no homozygotes.

Submissions (2):

Labcorp Genetics (formerly Invitae), Labcorp
Classification: Uncertain significance for Familial hemophagocytic lymphohistiocytosis 4. Last evaluated: 2023-12-11. Review status: criteria provided, single submitter. Criteria: Invitae Variant Classification Sherloc (09022015). Collection method: clinical testing. Allele origin: germline.
Comment: This sequence change replaces leucine, which is neutral and non-polar, with phenylalanine, which is neutral and non-polar, at codon 193 of the STX11 protein (p.Leu193Phe). This variant is present in population databases (rs760385256, gnomAD 0.003%). This variant has not been reported in the literature in individuals affected with STX11-related conditions. ClinVar contains an entry for this variant (Variation ID: 1410378). Advanced modeling of protein sequence and biophysical properties (such as structural, functional, and spatial information, amino acid conservation, physicochemical variation, residue mobility, and thermodynamic stability) performed at Invitae indicates that this missense variant is not expected to disrupt STX11 protein function with a negative predictive value of 80%. In summary, the available evidence is currently insufficient to determine the role of this variant in disease. Therefore, it has been classified as a Variant of Uncertain Significance.

Ambry Genetics
Classification: Uncertain significance for Inborn genetic diseases. Last evaluated: 2023-12-07. Review status: criteria provided, single submitter. Criteria: Ambry Variant Classification Scheme 2023. Collection method: clinical testing. Allele origin: germline.